The following is an entry in ClinVar:

NM_139319.3(SLC17A8):c.723G>A (p.Leu241=)

Gene: SLC17A8 (solute carrier family 17 member 8; plus strand). Cytogenetic location: 12q23.1.
Variant type: single nucleotide variant.
Coding change: c.723G>A on transcript NM_139319.3 (MANE Select); coding-DNA position 723, G replaced by A.
Protein change: p.Leu241=; no amino-acid change (leucine 241 retained).
Molecular consequence: synonymous variant.
Genome position (GRCh38, 1-based): chr12:100,401,823, G>A. VCF-style: chr12-100401823-G-A. GRCh37 (hg19) VCF-style: chr12-100795601-G-A.
Other names: c.723G>A, p.Leu241= (NM_001145288.2).
Identifiers: ClinVar variation 306629 (VCV000306629.18), dbSNP rs11568545, ClinGen allele CA6738833.
Genomic context (GRCh38, chr12:100,401,823, plus strand): 5'-TTTTCTTGTTCCAGGTTCCTATGCAGGGGCAGTGGTTGCCATGCCCCTGGCTGGGGTGTT[G>A]GTGCAGTACATTGGATGGTCCTCTGTCTTTTATATTTATGGTGAGTGATTTGACTTCACA-3'
Protein context (NP_647480.1, residues 231-251): AVVAMPLAGV[Leu241=]VQYIGWSSVF

ClinVar aggregate classification (germline): Benign/Likely benign. Review status: criteria provided, multiple submitters, no conflicts (2 of 4 stars). 5 submissions from 5 submitters: Benign (3); Likely benign (1). 1 of the submissions does not count toward it. Last evaluated 2026-01-06.

Conditions:
Autosomal dominant nonsyndromic hearing loss 25. Identifiers: Orphanet 90635, MedGen C1854158, MONDO:0011568, OMIM 605583.
SLC17A8-related disorder. Also called: SLC17A8-related condition.

Allele frequency attached by ClinVar (database versions not stated): gnomAD exomes 0.00018 and 0.00078; gnomAD 0.00019 and 0.00036; TOPMed 0.00041; ExAC 0.00068; 1000 Genomes Project 30x 0.00328; 1000 Genomes Project 0.00379.
gnomAD v4.1: 349 of 1,614,030 alleles (0.022%); highest among the groups gnomAD compares: East Asian, 0.49%; 8 homozygotes.

Submissions (5):

Labcorp Genetics (formerly Invitae), Labcorp
Classification: Benign. Last evaluated: 2026-01-06. Review status: criteria provided, single submitter. Criteria: Invitae Variant Classification Sherloc (09022015). Collection method: clinical testing. Allele origin: germline.

Blueprint Genetics
Classification: Likely benign. Last evaluated: 2024-10-28. Review status: criteria provided, single submitter. Criteria: ACMG Guidelines, 2015. Collection method: clinical testing. Allele origin: germline.

GeneDx
Classification: Benign. Last evaluated: 2020-03-25. Review status: criteria provided, single submitter. Criteria: GeneDx Variant Classification Process June 2021. Collection method: clinical testing. Allele origin: germline. Affected: yes.

Illumina Laboratory Services, Illumina
Classification: Benign for Autosomal dominant nonsyndromic hearing loss 25. Last evaluated: 2018-01-13. Review status: criteria provided, single submitter. Criteria: ICSL Variant Classification Criteria 13 December 2019. Collection method: clinical testing. Allele origin: germline.
Comment: This variant was observed in the ICSL laboratory as part of a predisposition screen in an ostensibly healthy population. It had not been previously curated by ICSL or reported in the Human Gene Mutation Database (HGMD: prior to June 1st, 2018), and was therefore a candidate for classification through an automated scoring system. Utilizing variant allele frequency, disease prevalence and penetrance estimates, and inheritance mode, an automated score was calculated to assess if this variant is too frequent to cause the disease. Based on the score and internal cut-off values, a variant classified as benign is not then subjected to further curation. The score for this variant resulted in a classification of benign for this disease.

PreventionGenetics, part of Exact Sciences
Classification: Benign for SLC17A8-related condition. Last evaluated: 2024-03-18. Review status: no assertion criteria provided. Collection method: clinical testing. Allele origin: germline. Not counted in ClinVar's aggregate classification.
Comment: This variant is classified as benign based on ACMG/AMP sequence variant interpretation guidelines (Richards et al. 2015 PMID: 25741868, with internal and published modifications).